The following is an entry in ClinVar:

NM_206933.4(USH2A):c.5572+1G>A

Genes: USH2A (usherin; minus strand), USH2A-AS2 (USH2A antisense RNA 2; plus strand). Cytogenetic location: 1q41.
Variant type: single nucleotide variant.
Coding change: c.5572+1G>A on transcript NM_206933.4 (MANE Select); the canonical splice donor site of the intron after coding-DNA position 5572, G replaced by A.
Molecular consequence: splice donor variant.
Genome position (GRCh38, 1-based): chr1:216,078,088, C>T on the plus strand (G>A on the coding strand, the complement: USH2A is on the minus strand). VCF-style: chr1-216078088-C-T. GRCh37 (hg19) VCF-style: chr1-216251430-C-T.
Identifiers: ClinVar variation 550083 (VCV000550083.25), dbSNP rs775293551, ClinGen allele CA1395428.

ClinVar aggregate classification (germline): Pathogenic/Likely pathogenic. Review status: criteria provided, multiple submitters, no conflicts (2 of 4 stars). 11 submissions from 10 submitters: Pathogenic (7); Likely pathogenic (3). 1 of the submissions does not count toward it. Last evaluated 2026-01-26.

Conditions:
Usher syndrome type 2A. Also called: USHER SYNDROME, TYPE IIA; RETINAL DISEASE IN USHER SYNDROME TYPE IIA, MODIFIER OF. Identifiers: Orphanet 231178, Orphanet 886, MedGen C1848634, MONDO:0010169, OMIM 276901.
Retinitis pigmentosa 39 (RP39). Identifiers: Orphanet 791, MedGen C3151138, MONDO:0013436, OMIM 613809.
USH2A-related disorder. Also called: USH2A-related condition; USH2A-related disorders. Identifiers: MedGen CN239332.

Allele frequency attached by ClinVar (database versions not stated): gnomAD exomes below 0.00001 and 0.00001; ExAC 0.00001; gnomAD 0.00001.
gnomAD v4.1: 6 of 1,613,412 alleles (0.00037%); highest among the groups gnomAD compares: East Asian, 0.0067%; no homozygotes.

Submissions (11):

Medical and Scientific Branch, Hong Kong Genome Institute
Classification: Likely pathogenic for Retinitis pigmentosa 39. Last evaluated: 2026-01-26. Review status: criteria provided, single submitter. Criteria: ACMG Guidelines, 2015. Collection method: clinical testing. Allele origin: paternal. Affected: yes.

Natera, Inc.
Classification: Pathogenic for Usher syndrome type 2A. Last evaluated: 2025-11-21. Review status: criteria provided, single submitter. Criteria: Natera Variant Classification Schema (03/2026). Collection method: clinical testing. Allele origin: germline.
Comment: The c.5572+1G>A variant in USH2A is a canonical splice donor site variant predicted to affect pre-mRNA splicing, which may result in an abnormal transcript and altered protein product. This variant is expected to result in nonsense mediated decay, truncation, or a dysfunctional protein product. This variant is rare in the general population with a frequency below the threshold expected for the associated phenotype(s). This variant has been observed in one or more individuals affected with the associated recessive disease, as either homozygous or compound heterozygous with a second variant (PMID: 31904091). This variant has been observed to segregate in affected family members (PMID: 31904091). Given the available evidence, this variant is classified as Pathogenic.

Labcorp Genetics (formerly Invitae), Labcorp
Classification: Pathogenic. Last evaluated: 2025-06-15. Review status: criteria provided, single submitter. Criteria: Invitae Variant Classification Sherloc (09022015). Collection method: clinical testing. Allele origin: germline.
Comment: This sequence change affects a donor splice site in intron 27 of the USH2A gene. RNA analysis indicates that disruption of this splice site induces altered splicing and likely results in a shortened protein product. This variant is present in population databases (rs775293551, gnomAD 0.02%). Disruption of this splice site has been observed in individual(s) with USH2A-related conditions (PMID: 25649381, 31904091; internal data). In at least one individual the data is consistent with being in trans (on the opposite chromosome) from a pathogenic variant. It has also been observed to segregate with disease in related individuals. This variant is also known as 5776+1G>A. ClinVar contains an entry for this variant (Variation ID: 550083). Studies have shown that disruption of this splice site results in skipping of exon 28, but is expected to preserve the integrity of the reading-frame (PMID: 25649381). For these reasons, this variant has been classified as Pathogenic.

GeneDx
Classification: Pathogenic. Last evaluated: 2025-01-27. Review status: criteria provided, single submitter. Criteria: GeneDx Variant Classification Process June 2021. Collection method: clinical testing. Allele origin: germline. Affected: yes.
Comment: Canonical splice site variant predicted to result in a null allele in a gene for which loss of function is a known mechanism of disease; This variant is associated with the following publications: (PMID: 31964843, 36110214, 35314707, 24938718, 31904091, 32037395, 31054281, 32675063, 34416374, 33124170, 38167091)

Baylor Genetics
Classification: Pathogenic for Retinitis pigmentosa 39. Last evaluated: 2024-01-23. Review status: criteria provided, single submitter. Criteria: ACMG Guidelines, 2015. Collection method: clinical testing. Allele origin: unknown.

Blueprint Genetics
Classification: Pathogenic for USH2A-related disorders. Last evaluated: 2023-07-20. Review status: criteria provided, single submitter. Criteria: ACMG Guidelines, 2015. Collection method: clinical testing. Allele origin: germline. Affected: yes. Observed: 5 variant alleles.

Genome-Nilou Lab
Classification: Likely pathogenic for Retinitis pigmentosa 39. Last evaluated: 2023-04-11. Review status: criteria provided, single submitter. Criteria: ACMG Guidelines, 2015. Collection method: clinical testing. Allele origin: germline. Affected: no.

Genome-Nilou Lab
Classification: Likely pathogenic for Usher syndrome type 2A. Last evaluated: 2023-04-11. Review status: criteria provided, single submitter. Criteria: ACMG Guidelines, 2015. Collection method: clinical testing. Allele origin: germline. Affected: no.

Revvity Omics, Revvity
Classification: Pathogenic. Last evaluated: 2020-12-17. Review status: criteria provided, single submitter. Criteria: ACMG Guidelines, 2015. Collection method: clinical testing. Allele origin: germline.

Juno Genomics, Hangzhou Juno Genomics, Inc
Classification: Pathogenic for Usher syndrome type 2A; Retinitis pigmentosa 39. Review status: criteria provided, single submitter. Criteria: ACMG Guidelines, 2015. Collection method: clinical testing. Allele origin: germline. Affected: yes.
Comment: Absent from controls (or at extremely low frequency if recessive) in Genome Aggregation Database.;Null variant in a gene where loss of function (LOF) is a known mechanism of disease.;For recessive disorders, detected in trans with a pathogenic variant.;Patient's phenotype or family history is highly specific for a disease with a single genetic etiology.

Counsyl
Classification: Likely pathogenic for Usher syndrome type 2A; Retinitis pigmentosa 39. Last evaluated: 2017-01-17. Review status: no assertion criteria provided. Collection method: clinical testing. Allele origin: unknown. Not counted in ClinVar's aggregate classification.

Literature cited by the submitters: PubMed 31904091 (cited by Natera, Inc. and Labcorp Genetics (formerly Invitae), Labcorp); PubMed 25649381 (cited by Labcorp Genetics (formerly Invitae), Labcorp); PubMed 24938718 (cited by Counsyl).